The following is an entry in ClinVar:

NM_001127222.2(CACNA1A):c.3872T>C (p.Met1291Thr)

Gene: CACNA1A (calcium voltage-gated channel subunit alpha1 A; minus strand). Cytogenetic location: 19p13.13.
Variant type: single nucleotide variant.
Coding change: c.3872T>C on transcript NM_001127222.2 (MANE Select); coding-DNA position 3872, T replaced by C.
Protein change: p.Met1291Thr; replaces methionine 1291 with threonine.
Molecular consequence: missense variant.
Genome position (GRCh38, 1-based): chr19:13,277,079, A>G on the plus strand (T>C on the coding strand, the complement: CACNA1A is on the minus strand). VCF-style: chr19-13277079-A-G. GRCh37 (hg19) VCF-style: chr19-13387893-A-G.
Other names: c.3884T>C, p.Met1295Thr (NM_000068.4, NM_023035.3); c.3875T>C, p.Met1292Thr (NM_001127221.2, NM_001174080.2); short protein forms M1295T, M1292T, M1291T.
Identifiers: ClinVar variation 3483913 (VCV003483913.1).

ClinVar aggregate classification (germline): Uncertain significance (1 of 4 stars; one submission).

Conditions:
Inborn genetic diseases. Identifiers: MedGen C0950123, MeSH D030342.

Submission:

Ambry Genetics
Classification: Uncertain significance for Inborn genetic diseases. Last evaluated: 2024-12-10. Review status: criteria provided, single submitter. Criteria: Ambry Variant Classification Scheme 2023. Collection method: clinical testing. Allele origin: germline.
Comment: The c.3875T>C (p.M1292T) alteration is located in exon 23 (coding exon 23) of the CACNA1A gene. This alteration results from a T to C substitution at nucleotide position 3875, causing the methionine (M) at amino acid position 1292 to be replaced by a threonine (T). This variant was not reported in population-based cohorts in the Genome Aggregation Database (gnomAD). This amino acid position is highly conserved in available vertebrate species. This missense alteration is located in a region that has a low rate of benign missense variation (Lek, 2016; Firth, 2009). This alteration is predicted to be deleterious by in silico analysis. Based on insufficient or conflicting evidence, the clinical significance of this alteration remains unclear.